The following is an entry in ClinVar:

NM_181426.2(CCDC39):c.1485dup (p.Ser496fs)

Gene: CCDC39 (coiled-coil domain 39 molecular ruler complex subunit; minus strand). Cytogenetic location: 3q26.33.
Variant type: Duplication.
Coding change: c.1485dup on transcript NM_181426.2 (MANE Select); coding-DNA position 1485, one base duplicated (A; older notation c.1485dupA).
Protein change: p.Ser496fs; shifts the reading frame from serine 496.
Molecular consequence: frameshift variant.
Genome position (GRCh38, 1-based): chr3:180,647,121, T duplicated on the plus strand (A on the coding strand, the reverse complement: CCDC39 is on the minus strand); the first of 6 consecutive T bases (chr3:180,647,121-180,647,126); duplicating any one gives the same sequence. VCF-style (leftmost placement, unchanged base first): chr3-180647120-A-AT. GRCh37 (hg19) VCF-style: chr3-180364908-A-AT.
Other names: short protein forms S496fs.
Identifiers: ClinVar variation 1069445 (VCV001069445.7), dbSNP rs751239231, ClinGen allele CA1424304765.
Genomic context (GRCh38, chr3:180,647,120, plus strand): 5'-TGTATTTTGGCTAAGTTACATGAAGCTTCTTGATCTGTGTTTCCAAAAGGCCACATGTAG[A>AT]TTTTTTCTCTTCCAAAGACTTCCTAAGTTCAACAATTTTTGCTTCAAGCGCTTGTTTTTC-3'

ClinVar aggregate classification (germline): Pathogenic (1 of 4 stars; one submission).

Conditions:
Primary ciliary dyskinesia. Also called: Ciliary dyskinesia. Identifiers: Orphanet 244, MedGen C0008780, MONDO:0016575, HP:0012265.

Submission:

Labcorp Genetics (formerly Invitae), Labcorp
Classification: Pathogenic for Primary ciliary dyskinesia. Last evaluated: 2023-02-06. Review status: criteria provided, single submitter. Criteria: Invitae Variant Classification Sherloc (09022015). Collection method: clinical testing. Allele origin: germline.
Comment: This variant has not been reported in the literature in individuals affected with CCDC39-related conditions. ClinVar contains an entry for this variant (Variation ID: 1069445). For these reasons, this variant has been classified as Pathogenic. This variant is not present in population databases (gnomAD no frequency). This sequence change creates a premature translational stop signal (p.Ser496Ilefs*15) in the CCDC39 gene. It is expected to result in an absent or disrupted protein product. Loss-of-function variants in CCDC39 are known to be pathogenic (PMID: 21131972, 23255504).

Literature cited by the submitters: PubMed 21131972; PubMed 23255504.